The following is an entry in ClinVar:

ClinVar aggregate classification (germline): Likely pathogenic (1 of 4 stars; one submission).

Conditions:
Very long chain acyl-CoA dehydrogenase deficiency (ACADVLD). Also called: Very Long-Chain Acyl-Coenzyme A Dehydrogenase Deficiency; VLCAD Deficiency. Identifiers: Orphanet 26793, MedGen C3887523, MONDO:0008723, OMIM 201475.

Submission:

Natera, Inc.
Classification: Likely pathogenic for Very long chain acyl-CoA dehydrogenase deficiency. Last evaluated: 2024-12-09. Review status: criteria provided, single submitter. Criteria: Natera Variant Classification Schema (03/2026). Collection method: clinical testing. Allele origin: germline.
Comment: The c.421del variant in ACADVL is a frameshift variant predicted to shift the reading frame beginning at codon 141 and leads to a stop codon 76 codons downstream. This variant is expected to result in nonsense mediated decay, truncation, or a dysfunctional protein product. This variant is rare in the general population with a frequency below the threshold expected for the associated phenotype(s). Given the available evidence, this variant is classified as Likely Pathogenic.

NM_000018.4(ACADVL):c.421del (p.Ala141fs)

Gene: ACADVL (acyl-CoA dehydrogenase very long chain; plus strand). Cytogenetic location: 17p13.1.
Variant type: Deletion.
Coding change: c.421del on transcript NM_000018.4 (MANE Select); coding-DNA position 421, one base deleted (G; older notation c.421delG).
Protein change: p.Ala141fs; shifts the reading frame from alanine 141.
Molecular consequence: frameshift variant.
Genome position (GRCh38, 1-based): chr17:7,221,002, G deleted; the last of 5 consecutive G bases (chr17:7,220,998-7,221,002); deleting any one gives the same sequence. VCF-style (leftmost placement, unchanged base first): chr17-7220997-TG-T. GRCh37 (hg19) VCF-style: chr17-7124316-TG-T.
Other names: c.355del, p.Ala119fs (NM_001033859.3); c.490del, p.Ala164fs (NM_001270447.2); c.193del, p.Ala65fs (NM_001270448.2); short protein forms A119fs, A141fs, A164fs, A65fs.
Identifiers: ClinVar variation 4817419 (VCV004817419.2).
Genomic context (GRCh38, chr17:7,220,997, plus strand): 5'-CCGCCAAGAATGACGCTCTGGAGATGGTGGAGGAGACCACTTGGCAGGGCCTCAAGGAGC[TG>T]GGGGCCTTTGGTCTGCAAGTGCCCAGTGAGCTGGGTGGTGTGGGCCTTTGCAACACCCAG-3'